The following is an entry in ClinVar:

NM_001256545.2(MEGF10):c.878C>T (p.Thr293Ile)

Gene: MEGF10 (multiple EGF like domains 10; plus strand). Cytogenetic location: 5q23.2.
Variant type: single nucleotide variant.
Coding change: c.878C>T on transcript NM_001256545.2 (MANE Select); coding-DNA position 878, C replaced by T.
Protein change: p.Thr293Ile; replaces threonine 293 with isoleucine.
Molecular consequence: missense variant.
Genome position (GRCh38, 1-based): chr5:127,402,643, C>T. VCF-style: chr5-127402643-C-T. GRCh37 (hg19) VCF-style: chr5-126738335-C-T.
Other names: c.878C>T, p.Thr293Ile (NM_001308119.2, NM_001308121.2, NM_032446.3); short protein forms T293I.
Identifiers: ClinVar variation 1933697 (VCV001933697.2), dbSNP rs768259645, ClinGen allele CA3391423.

ClinVar aggregate classification (germline): Uncertain significance (1 of 4 stars; one submission).

Conditions:
MEGF10-related myopathy (CMYO10A). Also called: Congenital myopathy 10A, severe variant. Identifiers: Orphanet 439212, MedGen C3280679, MONDO:0013731, OMIM 614399.

Allele frequency attached by ClinVar (database versions not stated): TOPMed below 0.00001; ExAC 0.00001; gnomAD exomes 0.00001.
gnomAD v4.1: 18 of 1,614,104 alleles (0.0011%); highest among the groups gnomAD compares: Non-Finnish European, 0.0014%; no homozygotes.

Submission:

Labcorp Genetics (formerly Invitae), Labcorp
Classification: Uncertain significance for MEGF10-related myopathy. Last evaluated: 2022-05-21. Review status: criteria provided, single submitter. Criteria: Invitae Variant Classification Sherloc (09022015). Collection method: clinical testing. Allele origin: germline.
Comment: This sequence change replaces threonine, which is neutral and polar, with isoleucine, which is neutral and non-polar, at codon 293 of the MEGF10 protein (p.Thr293Ile). This variant is present in population databases (rs768259645, gnomAD 0.003%). This variant has not been reported in the literature in individuals affected with MEGF10-related conditions. Algorithms developed to predict the effect of missense changes on protein structure and function (SIFT, PolyPhen-2, Align-GVGD) all suggest that this variant is likely to be tolerated. In summary, the available evidence is currently insufficient to determine the role of this variant in disease. Therefore, it has been classified as a Variant of Uncertain Significance.